The following is an entry in ClinVar:

NM_213599.3(ANO5):c.1754A>G (p.Tyr585Cys)

Gene: ANO5 (anoctamin 5; plus strand). Cytogenetic location: 11p14.3.
Variant type: single nucleotide variant.
Coding change: c.1754A>G on transcript NM_213599.3 (MANE Select); coding-DNA position 1754, A replaced by G.
Protein change: p.Tyr585Cys; replaces tyrosine 585 with cysteine.
Molecular consequence: missense variant.
Genome position (GRCh38, 1-based): chr11:22,262,252, A>G. VCF-style: chr11-22262252-A-G. GRCh37 (hg19) VCF-style: chr11-22283798-A-G.
Other names: c.1751A>G, p.Tyr584Cys (NM_001142649.2); short protein forms Y584C, Y585C.
Identifiers: ClinVar variation 1519480 (VCV001519480.9), dbSNP rs2133748070, ClinGen allele CA379922744.

ClinVar aggregate classification (germline): Uncertain significance. Review status: criteria provided, multiple submitters, no conflicts (2 of 4 stars). 2 submissions from 2 submitters: Uncertain significance (2). Last evaluated 2024-10-03.

Conditions:
Autosomal recessive limb-girdle muscular dystrophy type 2L (LGMDR12). Also called: Limb-Girdle Muscular Dystrophy R12 Anoctamin-5-Related (LGMD-R12); Limb-girdle muscular dystrophy, type 2L; MUSCULAR DYSTROPHY, LIMB-GIRDLE, AUTOSOMAL RECESSIVE 12. Identifiers: Orphanet 206549, MedGen C1969785, MONDO:0012652, OMIM 611307.
Gnathodiaphyseal dysplasia (GDD). Also called: GNATHODIAPHYSEAL SCLEROSIS; OSTEOGENESIS IMPERFECTA WITH UNUSUAL SKELETAL LESIONS. Identifiers: Orphanet 53697, MedGen C1833736, MONDO:0008151, OMIM 166260.

Submissions (2):

Blueprint Genetics
Classification: Uncertain significance. Last evaluated: 2024-10-03. Review status: criteria provided, single submitter. Criteria: ACMG Guidelines, 2015. Collection method: clinical testing. Allele origin: germline.

Labcorp Genetics (formerly Invitae), Labcorp
Classification: Uncertain significance for Autosomal recessive limb-girdle muscular dystrophy type 2L; Gnathodiaphyseal dysplasia. Last evaluated: 2024-06-21. Review status: criteria provided, single submitter. Criteria: Invitae Variant Classification Sherloc (09022015). Collection method: clinical testing. Allele origin: germline.
Comment: This sequence change replaces tyrosine, which is neutral and polar, with cysteine, which is neutral and slightly polar, at codon 585 of the ANO5 protein (p.Tyr585Cys). This variant is not present in population databases (gnomAD no frequency). This variant has not been reported in the literature in individuals affected with ANO5-related conditions. ClinVar contains an entry for this variant (Variation ID: 1519480). Advanced modeling of protein sequence and biophysical properties (such as structural, functional, and spatial information, amino acid conservation, physicochemical variation, residue mobility, and thermodynamic stability) performed at Invitae indicates that this missense variant is expected to disrupt ANO5 protein function with a positive predictive value of 95%. In summary, the available evidence is currently insufficient to determine the role of this variant in disease. Therefore, it has been classified as a Variant of Uncertain Significance.